The following is an entry in ClinVar:

NM_138393.4(REEP6):c.91G>A (p.Val31Met)

Genes: REEP6 (receptor accessory protein 6; plus strand), LOC130062963 (ATAC-STARR-seq lymphoblastoid silent region 9724; plus strand). Cytogenetic location: 19p13.3.
Variant type: single nucleotide variant.
Coding change: c.91G>A on transcript NM_138393.4 (MANE Select); coding-DNA position 91, G replaced by A.
Protein change: p.Val31Met; replaces valine 31 with methionine.
Molecular consequence: missense variant.
Genome position (GRCh38, 1-based): chr19:1,491,360, G>A. VCF-style: chr19-1491360-G-A. GRCh37 (hg19) VCF-style: chr19-1491359-G-A.
Other names: c.91G>A (NM_138393.1); c.91G>A, p.Val31Met (NM_001329556.3); short protein forms V31M.
Identifiers: ClinVar variation 933604 (VCV000933604.7), dbSNP rs369183038, ClinGen allele CA9047379.
Genomic context (GRCh38, chr19:1,491,360, plus strand): 5'-TTCCTGGAGCAAAGGAACCTGGTCACCGAAGTGCTGGGGGCGCTGGAGGCCAAGACCGGG[G>A]TGGAGAAGCGGTATCTGGCTGCAGGTGAGCCGTCGGCGCTAGCCCGTTTCGCCGACGGGC-3'
Protein context (NP_612402.1, residues 21-41): VLGALEAKTG[Val31Met]EKRYLAAGAV

ClinVar aggregate classification (germline): Uncertain significance. Review status: criteria provided, multiple submitters, no conflicts (2 of 4 stars). 3 submissions from 3 submitters: Uncertain significance (3). Last evaluated 2025-02-25.

Conditions:
Inborn genetic diseases. Identifiers: MedGen C0950123, MeSH D030342.

Allele frequency attached by ClinVar (database versions not stated): gnomAD exomes 0.00002; ExAC 0.00009; ESP Exome Variant Server 0.00016; TOPMed 0.00034.
gnomAD v4.1: 64 of 1,472,256 alleles (0.0043%); highest among the groups gnomAD compares: African/African-American, 0.083%; no homozygotes.

Submissions (3):

Ambry Genetics
Classification: Uncertain significance for Inborn genetic diseases. Last evaluated: 2025-02-25. Review status: criteria provided, single submitter. Criteria: Ambry Variant Classification Scheme 2023. Collection method: clinical testing. Allele origin: germline.

Blueprint Genetics
Classification: Uncertain significance. Last evaluated: 2024-07-19. Review status: criteria provided, single submitter. Criteria: ACMG Guidelines, 2015. Collection method: clinical testing. Allele origin: germline.

Labcorp Genetics (formerly Invitae), Labcorp
Classification: Uncertain significance. Last evaluated: 2022-09-07. Review status: criteria provided, single submitter. Criteria: Invitae Variant Classification Sherloc (09022015). Collection method: clinical testing. Allele origin: germline.
Comment: This sequence change replaces valine with methionine at codon 31 of the REEP6 protein (p.Val31Met). The valine residue is moderately conserved and there is a small physicochemical difference between valine and methionine. The frequency data for this variant in the population databases is considered unreliable, as metrics indicate poor data quality at this position in the gnomAD database. This variant has not been reported in the literature in individuals affected with REEP6-related conditions. ClinVar contains an entry for this variant (Variation ID: 933604). Experimental studies and prediction algorithms are not available or were not evaluated, and the functional significance of this variant is currently unknown. In summary, the available evidence is currently insufficient to determine the role of this variant in disease. Therefore, it has been classified as a Variant of Uncertain Significance.